The following is an entry in ClinVar:

ClinVar aggregate classification (germline): Pathogenic. Review status: criteria provided, multiple submitters, no conflicts (2 of 4 stars). 2 submissions from 2 submitters: Pathogenic (2). Last evaluated 2023-10-26.

Conditions:
Cornelia de Lange syndrome 1 (CDLS1). Also called: Brachmann de Lange syndrome; NIPBL-Related Cornelia de Lange Syndrome; TYPUS DEGENERATIVUS AMSTELODAMENSIS. Identifiers: Orphanet 199, MedGen C4551851, MONDO:0007387, OMIM 122470.

Submissions (2):

GeneDx
Classification: Pathogenic. Last evaluated: 2023-10-26. Review status: criteria provided, single submitter. Criteria: GeneDx Variant Classification Process June 2021. Collection method: clinical testing. Allele origin: germline. Affected: yes.
Comment: Nonsense variant predicted to result in protein truncation or nonsense mediated decay in a gene for which loss of function is a known mechanism of disease; Not observed at significant frequency in large population cohorts (gnomAD); This variant is associated with the following publications: (PMID: 32033219, 22581668, 24218399)

Genetic Services Laboratory, University of Chicago
Classification: Pathogenic for Cornelia de Lange syndrome 1. Last evaluated: 2013-02-08. Review status: criteria provided, single submitter. Criteria: ACMG Guidelines, 2007. Collection method: clinical testing. Allele origin: germline. Inheritance: Autosomal dominant inheritance. Affected: yes.

NM_133433.4(NIPBL):c.922C>T (p.Arg308Ter)

Gene: NIPBL (NIPBL cohesin loading factor; plus strand). Cytogenetic location: 5p13.2.
Variant type: single nucleotide variant.
Coding change: c.922C>T on transcript NM_133433.4 (MANE Select); coding-DNA position 922, C replaced by T.
Protein change: p.Arg308Ter; replaces arginine 308 with a stop codon.
Molecular consequence: nonsense.
Genome position (GRCh38, 1-based): chr5:36,975,829, C>T. VCF-style: chr5-36975829-C-T. GRCh37 (hg19) VCF-style: chr5-36975931-C-T.
Other names: c.922C>T, p.Arg308Ter (NM_015384.5); short protein forms R308*.
Identifiers: ClinVar variation 159254 (VCV000159254.7), dbSNP rs587784065, ClinGen allele CA272338.